The following is an entry in ClinVar:

NC_012920.1:m.11016G>C

Gene: MT-ND4 (mitochondrially encoded NADH dehydrogenase 4; plus strand).
Variant type: single nucleotide variant.
Genome position: chrM-11016-G-C.
Identifiers: ClinVar variation 618729 (VCV000618729.8), dbSNP rs28594904, ClinGen allele CA414809281.
Genomic context (GRCh38, chrMT:11,016, plus strand): 5'-TAATACTAACTACCTGACTCCTACCCCTCACAATCATGGCAAGCCAACGCCACTTATCCA[G>C]TGAACCACTATCACGAAAAAAACTCTACCTCTCTATACTAATCTCCCTACAAATCTCCTT-3'

ClinVar aggregate classification (germline): Uncertain significance (1 of 4 stars; one submission).

Submission:

ARUP Laboratories, Molecular Genetics and Genomics, ARUP Laboratories
Classification: Uncertain significance. Last evaluated: 2017-06-26. Review status: criteria provided, single submitter. Criteria: ARUP Molecular Germline Variant Investigation Process. Collection method: clinical testing. Allele origin: germline.
Comment: This variant affects the MT-ND4 gene (c.257G>C; p.Ser86Thr) and has not been reported in the medical literature, is not listed in gene-specific variant databases, nor has it been previously identified in our laboratory. It is also absent from population databases such as MITOMAP. The serine at codon 86 is weakly conserved considering 12 species up to Fruitfly, and there is a small physiochemical difference between serine and threonine (Alamut software v2.9). However, based on the available information, the clinical significance of the m.11016G>C variant cannot be determined with certainty.